The following is an entry in ClinVar:

NM_020975.6(RET):c.814T>A (p.Phe272Ile)

Gene: RET (ret proto-oncogene; plus strand). Cytogenetic location: 10q11.21.
Variant type: single nucleotide variant.
Coding change: c.814T>A on transcript NM_020975.6 (MANE Select); coding-DNA position 814, T replaced by A.
Protein change: p.Phe272Ile; replaces phenylalanine 272 with isoleucine.
Molecular consequence: missense variant.
Genome position (GRCh38, 1-based): chr10:43,105,140, T>A. VCF-style: chr10-43105140-T-A. GRCh37 (hg19) VCF-style: chr10-43600588-T-A.
Other names: c.814T>A, p.Phe272Ile (NM_000323.2, NM_001406743.1, NM_001406744.1 and 8 more transcripts); c.52T>A, p.Phe18Ile (NM_001355216.2); c.685T>A, p.Phe229Ile (NM_001406761.1, NM_001406762.1, NM_001406764.1 and 2 more transcripts); c.526T>A, p.Phe176Ile (NM_001406766.1, NM_001406767.1, NM_001406770.1); short protein forms F272I, F18I, F176I, F229I.
Identifiers: ClinVar variation 1762192 (VCV001762192.2), dbSNP rs2132708073, ClinGen allele CA376545179.

ClinVar aggregate classification (germline): Uncertain significance (1 of 4 stars; one submission).

Conditions:
Hereditary cancer-predisposing syndrome. Also called: Neoplastic Syndromes, Hereditary; Tumor predisposition; Hereditary Cancer Syndrome; Hereditary neoplastic syndrome. Identifiers: Orphanet 140162, MedGen C0027672, MeSH D009386, MONDO:0015356.

Submission:

Ambry Genetics
Classification: Uncertain significance for Hereditary cancer-predisposing syndrome. Last evaluated: 2022-01-13. Review status: criteria provided, single submitter. Criteria: Ambry Variant Classification Scheme 2023. Collection method: clinical testing. Allele origin: germline.
Comment: The p.F272I variant (also known as c.814T>A), located in coding exon 4 of the RET gene, results from a T to A substitution at nucleotide position 814. The phenylalanine at codon 272 is replaced by isoleucine, an amino acid with highly similar properties. This amino acid position is conserved. In addition, this alteration is predicted to be tolerated by in silico analysis. Since supporting evidence is limited at this time, the clinical significance of this alteration remains unclear.